The following is an entry in ClinVar:

ClinVar aggregate classification (germline): Uncertain significance (1 of 4 stars; one submission).

Submission:

GeneDx
Classification: Uncertain significance. Last evaluated: 2023-12-12. Review status: criteria provided, single submitter. Criteria: GeneDx Variant Classification Process June 2021. Collection method: clinical testing. Allele origin: germline. Affected: yes.
Comment: Not observed at significant frequency in large population cohorts (gnomAD); In silico analysis supports a deleterious effect on splicing; Has not been previously published as pathogenic or benign to our knowledge

NM_003590.5(CUL3):c.540-3C>G

Gene: CUL3 (cullin 3; minus strand). Cytogenetic location: 2q36.2.
Variant type: single nucleotide variant.
Coding change: c.540-3C>G on transcript NM_003590.5 (MANE Select); 3 bases into the intron before coding-DNA position 540, C replaced by G.
Molecular consequence: intron variant.
Genome position (GRCh38, 1-based): chr2:224,513,641, G>C on the plus strand (C>G on the coding strand, the complement: CUL3 is on the minus strand). VCF-style: chr2-224513641-G-C. GRCh37 (hg19) VCF-style: chr2-225378358-G-C.
Other names: c.342-3C>G (NM_001257197.2); c.558-3C>G (NM_001257198.2).
Identifiers: ClinVar variation 3252672 (VCV003252672.1), dbSNP rs2106221179.